The following is an entry in ClinVar:

NM_024529.5(CDC73):c.374A>G (p.Lys125Arg)

Gene: CDC73 (cell division cycle 73; plus strand). Cytogenetic location: 1q31.2.
Variant type: single nucleotide variant.
Coding change: c.374A>G on transcript NM_024529.5 (MANE Select); coding-DNA position 374, A replaced by G.
Protein change: p.Lys125Arg; replaces lysine 125 with arginine.
Molecular consequence: missense variant.
Genome position (GRCh38, 1-based): chr1:193,135,540, A>G. VCF-style: chr1-193135540-A-G. GRCh37 (hg19) VCF-style: chr1-193104670-A-G.
Other names: short protein forms K125R.
Identifiers: ClinVar variation 2917192 (VCV002917192.5), dbSNP rs1455915064, ClinGen allele CA343960602.

ClinVar aggregate classification (germline): Uncertain significance. Review status: criteria provided, multiple submitters, no conflicts (2 of 4 stars). 3 submissions from 3 submitters: Uncertain significance (3). Last evaluated 2025-04-07.

Conditions:
Parathyroid carcinoma (PRTC). Also called: Parathyroid gland carcinoma; CDC73-Related Parathyroid Carcinoma. Identifiers: Orphanet 143, MedGen C0687150, MONDO:0012004, OMIM 608266, HP:0006780.
Hyperparathyroidism 2 with jaw tumors. Also called: Hyperparathyroidism 2; HYPERPARATHYROIDISM, FAMILIAL PRIMARY, WITH MULTIPLE OSSIFYING JAW FIBROMAS; HYPERPARATHYROIDISM-JAW TUMOR SYNDROME, HEREDITARY; Hyperparathyroidism-Jaw Tumor Syndrome. Identifiers: Orphanet 99880, MedGen C1704981, MONDO:0007768, OMIM 145001.
Hyperparathyroidism 1 (HRPT1). Also called: HYPERPARATHYROIDISM, FAMILIAL ISOLATED PRIMARY. Identifiers: Orphanet 99879, MedGen C1840402, MONDO:0007767, OMIM 145000.
Hereditary cancer-predisposing syndrome. Also called: Neoplastic Syndromes, Hereditary; Tumor predisposition; Hereditary neoplastic syndrome; Hereditary Cancer Syndrome. Identifiers: Orphanet 140162, MedGen C0027672, MeSH D009386, MONDO:0015356.

Allele frequency attached by ClinVar (database versions not stated): TOPMed below 0.00001.

Submissions (3):

Labcorp Genetics (formerly Invitae), Labcorp
Classification: Uncertain significance for Parathyroid carcinoma. Last evaluated: 2025-04-07. Review status: criteria provided, single submitter. Criteria: Invitae Variant Classification Sherloc (09022015). Collection method: clinical testing. Allele origin: germline.
Comment: This sequence change replaces lysine, which is basic and polar, with arginine, which is basic and polar, at codon 125 of the CDC73 protein (p.Lys125Arg). This variant is not present in population databases (gnomAD no frequency). This variant has not been reported in the literature in individuals affected with CDC73-related conditions. ClinVar contains an entry for this variant (Variation ID: 2917192). Invitae Evidence Modeling of protein sequence and biophysical properties (such as structural, functional, and spatial information, amino acid conservation, physicochemical variation, residue mobility, and thermodynamic stability) indicates that this missense variant is not expected to disrupt CDC73 protein function with a negative predictive value of 80%. In summary, the available evidence is currently insufficient to determine the role of this variant in disease. Therefore, it has been classified as a Variant of Uncertain Significance.

Ambry Genetics
Classification: Uncertain significance for Hereditary cancer-predisposing syndrome. Last evaluated: 2025-02-27. Review status: criteria provided, single submitter. Criteria: Ambry Variant Classification Scheme 2023. Collection method: clinical testing. Allele origin: germline.
Comment: The p.K125R variant (also known as c.374A>G), located in coding exon 5 of the CDC73 gene, results from an A to G substitution at nucleotide position 374. The lysine at codon 125 is replaced by arginine, an amino acid with highly similar properties. This amino acid position is highly conserved in available vertebrate species. In silico splice site analysis predicts that this alteration will result in the creation or strengthening of a novel splice acceptor site. RNA studies have demonstrated that this alteration does not result in abnormal splicing in the set of samples tested (Ambry internal data). In addition, as a missense substitution this is predicted to be tolerated by in silico analysis. Based on the available evidence, the clinical significance of this variant remains unclear.

Fulgent Genetics
Classification: Uncertain significance for Hyperparathyroidism 1; Hyperparathyroidism 2 with jaw tumors; Parathyroid carcinoma. Last evaluated: 2024-04-28. Review status: criteria provided, single submitter. Criteria: ACMG Guidelines, 2015. Collection method: clinical testing. Allele origin: germline.